The following is an entry in ClinVar:

ClinVar aggregate classification (germline): Uncertain significance (1 of 4 stars; one submission).

Allele frequency attached by ClinVar (database versions not stated): gnomAD 0.00001; ExAC 0.00002; TOPMed 0.00004.
gnomAD v4.1: 46 of 1,613,670 alleles (0.0029%); highest among the groups gnomAD compares: Non-Finnish European, 0.0036%; no homozygotes.

Submission:

Labcorp Genetics (formerly Invitae), Labcorp
Classification: Uncertain significance. Last evaluated: 2022-10-17. Review status: criteria provided, single submitter. Criteria: Invitae Variant Classification Sherloc (09022015). Collection method: clinical testing. Allele origin: germline.
Comment: This variant is present in population databases (rs779821157, gnomAD 0.006%). This sequence change replaces proline, which is neutral and non-polar, with serine, which is neutral and polar, at codon 273 of the CENPJ protein (p.Pro273Ser). This variant has not been reported in the literature in individuals affected with CENPJ-related conditions. ClinVar contains an entry for this variant (Variation ID: 1362910). Algorithms developed to predict the effect of missense changes on protein structure and function (SIFT, PolyPhen-2, Align-GVGD) all suggest that this variant is likely to be tolerated. In summary, the available evidence is currently insufficient to determine the role of this variant in disease. Therefore, it has been classified as a Variant of Uncertain Significance.

NM_018451.5(CPAP):c.817C>T (p.Pro273Ser)

Gene: CPAP (centrosome assembly and centriole elongation protein; minus strand). Cytogenetic location: 13q12.13.
Variant type: single nucleotide variant.
Coding change: c.817C>T on transcript NM_018451.5 (MANE Select); coding-DNA position 817, C replaced by T.
Protein change: p.Pro273Ser; replaces proline 273 with serine.
Molecular consequence: missense variant. On other transcripts: non-coding transcript variant (2).
Genome position (GRCh38, 1-based): chr13:24,909,838, G>A on the plus strand (C>T on the coding strand, the complement: CPAP is on the minus strand). VCF-style: chr13-24909838-G-A. GRCh37 (hg19) VCF-style: chr13-25483976-G-A.
Other names: short protein forms P273S.
Identifiers: ClinVar variation 1362910 (VCV001362910.7), dbSNP rs779821157, ClinGen allele CA6919920.